The following is an entry in ClinVar:

NM_022367.4(SEMA4A):c.1044T>C (p.Arg348=)

Gene: SEMA4A (semaphorin 4A; plus strand). Cytogenetic location: 1q22.
Variant type: single nucleotide variant.
Coding change: c.1044T>C on transcript NM_022367.4 (MANE Select); coding-DNA position 1044, T replaced by C.
Protein change: p.Arg348=; no amino-acid change (arginine 348 retained).
Molecular consequence: synonymous variant.
Genome position (GRCh38, 1-based): chr1:156,163,004, T>C. VCF-style: chr1-156163004-T-C. GRCh37 (hg19) VCF-style: chr1-156132795-T-C.
Other names: c.1044T>C, p.Arg348= (NM_001193300.2, NM_001193301.2, NM_001370567.1); c.648T>C, p.Arg216= (NM_001193302.2); c.747T>C, p.Arg249= (NM_001370568.1); c.537T>C, p.Arg179= (NM_001370569.1, NM_001370571.1).
Identifiers: ClinVar variation 2087616 (VCV002087616.4), dbSNP rs2528190064, ClinGen allele CA421070317.

ClinVar aggregate classification (germline): Uncertain significance (1 of 4 stars; one submission).

Submission:

Labcorp Genetics (formerly Invitae), Labcorp
Classification: Uncertain significance. Last evaluated: 2022-03-11. Review status: criteria provided, single submitter. Criteria: Invitae Variant Classification Sherloc (09022015). Collection method: clinical testing. Allele origin: germline.
Comment: This variant is not present in population databases (gnomAD no frequency). This sequence change affects codon 348 of the SEMA4A mRNA. It is a 'silent' change, meaning that it does not change the encoded amino acid sequence of the SEMA4A protein. This variant has not been reported in the literature in individuals affected with SEMA4A-related conditions. In summary, the available evidence is currently insufficient to determine the role of this variant in disease. Therefore, it has been classified as a Variant of Uncertain Significance. Algorithms developed to predict the effect of sequence changes on RNA splicing suggest that this variant may create or strengthen a splice site.